The following is an entry in ClinVar:

ClinVar aggregate classification (germline): Uncertain significance. Review status: criteria provided, multiple submitters, no conflicts (2 of 4 stars). 3 submissions from 3 submitters: Uncertain significance (3). Last evaluated 2025-07-15.

Conditions:
Multiple congenital anomalies-hypotonia-seizures syndrome 3 (MCAHS3). Also called: GLYCOSYLPHOSPHATIDYLINOSITOL BIOSYNTHESIS DEFECT 7. Identifiers: Orphanet 369837, MedGen C3809356, MONDO:0014165, OMIM 615398.
Inborn genetic diseases. Identifiers: MedGen C0950123, MeSH D030342.

Allele frequency attached by ClinVar (database versions not stated): gnomAD exomes 0.00002; ExAC 0.00003; gnomAD 0.00005; TOPMed 0.00006; ESP Exome Variant Server 0.00008.
gnomAD v4.1: 39 of 1,612,396 alleles (0.0024%); highest among the groups gnomAD compares: African/African-American, 0.016%; no homozygotes.

Submissions (3):

Ambry Genetics
Classification: Uncertain significance for Inborn genetic diseases. Last evaluated: 2025-07-15. Review status: criteria provided, single submitter. Criteria: Ambry Variant Classification Scheme 2023. Collection method: clinical testing. Allele origin: germline.

GeneDx
Classification: Uncertain significance. Last evaluated: 2025-03-12. Review status: criteria provided, single submitter. Criteria: GeneDx Variant Classification Process June 2021. Collection method: clinical testing. Allele origin: germline. Affected: yes.
Comment: In silico analysis supports that this missense variant has a deleterious effect on protein structure/function; Has not been previously published as pathogenic or benign to our knowledge

Labcorp Genetics (formerly Invitae), Labcorp
Classification: Uncertain significance for Multiple congenital anomalies-hypotonia-seizures syndrome 3. Last evaluated: 2022-05-22. Review status: criteria provided, single submitter. Criteria: Invitae Variant Classification Sherloc (09022015). Collection method: clinical testing. Allele origin: germline.
Comment: In summary, the available evidence is currently insufficient to determine the role of this variant in disease. Therefore, it has been classified as a Variant of Uncertain Significance. Algorithms developed to predict the effect of missense changes on protein structure and function (SIFT, PolyPhen-2, Align-GVGD) all suggest that this variant is likely to be tolerated. This variant has not been reported in the literature in individuals affected with PIGT-related conditions. This variant is present in population databases (rs374825388, gnomAD 0.02%). This sequence change replaces phenylalanine, which is neutral and non-polar, with leucine, which is neutral and non-polar, at codon 246 of the PIGT protein (p.Phe246Leu).

NM_015937.6(PIGT):c.738T>G (p.Phe246Leu)

Gene: PIGT (phosphatidylinositol glycan anchor biosynthesis class T; plus strand). Cytogenetic location: 20q13.12.
Variant type: single nucleotide variant.
Coding change: c.738T>G on transcript NM_015937.6 (MANE Select); coding-DNA position 738, T replaced by G.
Protein change: p.Phe246Leu; replaces phenylalanine 246 with leucine.
Molecular consequence: missense variant. On other transcripts: non-coding transcript variant (5).
Genome position (GRCh38, 1-based): chr20:45,420,192, T>G. VCF-style: chr20-45420192-T-G. GRCh37 (hg19) VCF-style: chr20-44048832-T-G.
Other names: c.738T>G (NM_015937.5, NM_015937.4); c.570T>G, p.Phe190Leu (NM_001184728.3); c.738T>G, p.Phe246Leu (NM_001184729.3); c.432T>G, p.Phe144Leu (NM_001184730.3); short protein forms F246L, F144L, F190L.
Identifiers: ClinVar variation 1418005 (VCV001418005.10), dbSNP rs374825388, ClinGen allele CA9878026.